The following is an entry in ClinVar:

NC_000017.10:g.(?_41242941)_(41249326_?)dup

Gene: BRCA1 (BRCA1 DNA repair associated; minus strand). Cytogenetic location: 17q21.31.
Variant type: Duplication.
Identifiers: ClinVar variation 1067335 (VCV001067335.3).

ClinVar aggregate classification (germline): Likely pathogenic (1 of 4 stars; one submission).

Conditions:
Hereditary breast ovarian cancer syndrome. Also called: Breast and ovarian cancer; BRCA1- and BRCA2-Associated Hereditary Breast and Ovarian Cancer; Hereditary breast and ovarian cancer syndrome; Hereditary breast and/or ovarian cancer syndrome; Hereditary breast and ovarian cancer; Hereditary breast and ovarian cancer syndrome (HBOC). Identifiers: Orphanet 145, MedGen C0677776, MeSH D061325, MONDO:0003582. Disease mechanism: loss of function.

Submission:

Labcorp Genetics (formerly Invitae), Labcorp
Classification: Likely pathogenic for Hereditary breast ovarian cancer syndrome. Last evaluated: 2022-08-16. Review status: criteria provided, single submitter. Criteria: Invitae Variant Classification Sherloc (09022015). Collection method: clinical testing. Allele origin: germline.
Comment: In summary, the currently available evidence indicates that the variant is pathogenic, but additional data are needed to prove that conclusively. Therefore, this variant has been classified as Likely Pathogenic. This variant has not been reported in the literature in individuals affected with BRCA1-related conditions. This variant results in a copy number gain of the genomic region encompassing exon(s) 8-11 of the BRCA1 gene. While the exact position of this variant cannot be determined from the data, sub-genic copy number gains are generally in tandem (PMID: 25640679). This variant is predicted to be out-of-frame, and may result in an absent or disrupted protein product. Loss-of-function variants in BRCA1 are known to be pathogenic (PMID: 20104584).

Literature cited by the submitters: PubMed 25640679; PubMed 20104584.